The following is an entry in ClinVar:

NM_007126.5(VCP):c.1996G>A (p.Val666Ile)

Gene: VCP (valosin containing protein; minus strand). Cytogenetic location: 9p13.3.
Variant type: single nucleotide variant.
Coding change: c.1996G>A on transcript NM_007126.5 (MANE Select); coding-DNA position 1996, G replaced by A.
Protein change: p.Val666Ile; replaces valine 666 with isoleucine.
Molecular consequence: missense variant.
Genome position (GRCh38, 1-based): chr9:35,059,501, C>T on the plus strand (G>A on the coding strand, the complement: VCP is on the minus strand). VCF-style: chr9-35059501-C-T. GRCh37 (hg19) VCF-style: chr9-35059498-C-T.
Other names: c.1861G>A, p.Val621Ile (NM_001354927.2, NM_001354928.2); short protein forms V621I, V666I.
Identifiers: ClinVar variation 847962 (VCV000847962.8), dbSNP rs754268174, ClinGen allele CA5039162.

ClinVar aggregate classification (germline): Uncertain significance (1 of 4 stars; one submission).

Conditions:
Inclusion body myopathy with Paget disease of bone and frontotemporal dementia. Also called: Inclusion body myopathy with early-onset Paget disease and frontotemporal dementia. Identifiers: Orphanet 52430, MedGen C1833662, MONDO:0000507.
Frontotemporal dementia and/or amyotrophic lateral sclerosis 6 (FTDALS6). Also called: VCP-Related Amyotrophic Lateral Sclerosis; VCP-Related Amyotrophic Lateral Sclerosis/Frontotemporal Dementia. Identifiers: Orphanet 275872, Orphanet 803, MedGen C5436279, MONDO:0013501, OMIM 613954.

Allele frequency attached by ClinVar (database versions not stated): gnomAD 0.00001; gnomAD exomes 0.00001 and 0.00002; ExAC 0.00003.
gnomAD v4.1: 25 of 1,613,898 alleles (0.0015%); highest among the groups gnomAD compares: Non-Finnish European, 0.0014%; no homozygotes.

Submission:

Labcorp Genetics (formerly Invitae), Labcorp
Classification: Uncertain significance for Inclusion body myopathy with Paget disease of bone and frontotemporal dementia; Frontotemporal dementia and/or amyotrophic lateral sclerosis 6. Last evaluated: 2019-02-10. Review status: criteria provided, single submitter. Criteria: Invitae Variant Classification Sherloc (09022015). Collection method: clinical testing. Allele origin: germline.
Comment: In summary, the available evidence is currently insufficient to determine the role of this variant in disease. Therefore, it has been classified as a Variant of Uncertain Significance. Algorithms developed to predict the effect of missense changes on protein structure and function (SIFT, PolyPhen-2, Align-GVGD) all suggest that this variant is likely to be tolerated, but these predictions have not been confirmed by published functional studies and their clinical significance is uncertain. This variant has not been reported in the literature in individuals with VCP-related conditions. This variant is present in population databases (rs754268174, ExAC 0.02%). This sequence change replaces valine with isoleucine at codon 666 of the VCP protein (p.Val666Ile). The valine residue is moderately conserved and there is a small physicochemical difference between valine and isoleucine.